The following is an entry in ClinVar:

ClinVar aggregate classification (germline): Uncertain significance (1 of 4 stars; one submission).

Submission:

Ambry Genetics
Classification: Uncertain significance. Last evaluated: 2025-07-05. Review status: criteria provided, single submitter. Criteria: Ambry Variant Classification Scheme 2023. Collection method: clinical testing. Allele origin: germline.
Comment: The p.K546I variant (also known as c.1637A>T), located in coding exon 10 of the GALNT12 gene, results from an A to T substitution at nucleotide position 1637. The lysine at codon 546 is replaced by isoleucine, an amino acid with dissimilar properties. This amino acid position is conserved. In addition, the in silico prediction for this alteration is inconclusive. Based on the available evidence, the clinical significance of this variant remains unclear.

NM_024642.5(GALNT12):c.1637A>T (p.Lys546Ile)

Gene: GALNT12 (polypeptide N-acetylgalactosaminyltransferase 12; plus strand). Cytogenetic location: 9q22.33.
Variant type: single nucleotide variant.
Coding change: c.1637A>T on transcript NM_024642.5 (MANE Select); coding-DNA position 1637, A replaced by T.
Protein change: p.Lys546Ile; replaces lysine 546 with isoleucine.
Molecular consequence: missense variant.
Genome position (GRCh38, 1-based): chr9:98,848,983, A>T. VCF-style: chr9-98848983-A-T. GRCh37 (hg19) VCF-style: chr9-101611265-A-T.
Other names: short protein forms K546I.
Identifiers: ClinVar variation 4261487 (VCV004261487.1).